The following is an entry in ClinVar:

NM_004247.4(EFTUD2):c.-4-2A>G

Gene: EFTUD2 (elongation factor Tu GTP binding domain containing 2; minus strand). Cytogenetic location: 17q21.31.
Variant type: single nucleotide variant.
Coding change: c.-4-2A>G on transcript NM_004247.4 (MANE Select); the canonical splice acceptor site of the intron before 4 bases upstream of the start codon, A replaced by G.
Molecular consequence: splice acceptor variant. On other transcripts: intron variant (1).
Genome position (GRCh38, 1-based): chr17:44,894,527, T>C on the plus strand (A>G on the coding strand, the complement: EFTUD2 is on the minus strand). VCF-style: chr17-44894527-T-C. GRCh37 (hg19) VCF-style: chr17-42971895-T-C.
Other names: c.-1+4842A>G (NM_001142605.2); c.-4-2A>G (NM_001258354.2, NM_001258353.2).
Identifiers: ClinVar variation 4975481 (VCV004975481.1).
Genomic context (GRCh38, chr17:44,894,527, plus strand): 5'-AATCAAGCTCTGGTCCAATATAATTCCCAAACTCATCATATAAGTCGGTATCCATGATGC[T>C]AAAATTCAAGGAGAGAAGAGTTAGATTCTGACAAGGTAATCAAGGCCTTCATGTGGTGGC-3'

ClinVar aggregate classification (germline): Pathogenic (1 of 4 stars; one submission).

Submission:

GeneDx
Classification: Pathogenic. Last evaluated: 2026-03-19. Review status: criteria provided, single submitter. Criteria: GeneDx Variant Classification Process June 2021. Collection method: clinical testing. Allele origin: germline.
Comment: Canonical splice site variant predicted to result in a null allele in a gene for which loss-of-function is a known mechanism of disease; Not observed at significant frequency in large population cohorts (gnomAD); Located in a regulatory region; in the absence of functional studies, the actual effect of this sequence change is unknown; Has not been previously published as pathogenic or benign to our knowledge